The following is an entry in ClinVar:

ClinVar aggregate classification (germline): Uncertain significance (1 of 4 stars; one submission).

Submission:

Labcorp Genetics (formerly Invitae), Labcorp
Classification: Uncertain significance. Last evaluated: 2024-08-02. Review status: criteria provided, single submitter. Criteria: Invitae Variant Classification Sherloc (09022015). Collection method: clinical testing. Allele origin: germline.
Comment: This sequence change replaces methionine, which is neutral and non-polar, with isoleucine, which is neutral and non-polar, at codon 1276 of the RERE protein (p.Met1276Ile). This variant is not present in population databases (gnomAD no frequency). This variant has not been reported in the literature in individuals affected with RERE-related conditions. Advanced modeling of protein sequence and biophysical properties (such as structural, functional, and spatial information, amino acid conservation, physicochemical variation, residue mobility, and thermodynamic stability) performed at Invitae indicates that this missense variant is not expected to disrupt RERE protein function with a negative predictive value of 95%. In summary, the available evidence is currently insufficient to determine the role of this variant in disease. Therefore, it has been classified as a Variant of Uncertain Significance.

NM_001042681.2(RERE):c.3828G>A (p.Met1276Ile)

Gene: RERE (arginine-glutamic acid dipeptide repeats; minus strand). Cytogenetic location: 1p36.23.
Variant type: single nucleotide variant.
Coding change: c.3828G>A on transcript NM_001042681.2 (MANE Select); coding-DNA position 3828, G replaced by A.
Protein change: p.Met1276Ile; replaces methionine 1276 with isoleucine.
Molecular consequence: missense variant.
Genome position (GRCh38, 1-based): chr1:8,358,707, C>T on the plus strand (G>A on the coding strand, the complement: RERE is on the minus strand). VCF-style: chr1-8358707-C-T. GRCh37 (hg19) VCF-style: chr1-8418767-C-T.
Other names: c.2166G>A, p.Met722Ile (NM_001042682.2); c.3828G>A, p.Met1276Ile (NM_012102.4); short protein forms M1276I, M722I.
Identifiers: ClinVar variation 3617824 (VCV003617824.2).